The following is an entry in ClinVar:

NM_002878.4(RAD51D):c.177_204dup (p.Ala69fs)

Genes: RAD51L3-RFFL (RAD51L3-RFFL readthrough; minus strand), RAD51D (RAD51 paralog D; minus strand). Cytogenetic location: 17q12.
Variant type: Duplication.
Coding change: c.177_204dup on transcript NM_002878.4 (MANE Select); coding-DNA positions 177 to 204, 28 bases duplicated (TCAGTTCTCGGCTTTCCCCGTGAATGGC).
Protein change: p.Ala69fs; shifts the reading frame from alanine 69.
Molecular consequence: frameshift variant. On other transcripts: intron variant (2).
Genome position (GRCh38, 1-based): chr17:35,118,560-35,118,587, GCCATTCACGGGGAAAGCCGAGAACTGA duplicated on the plus strand (TCAGTTCTCGGCTTTCCCCGTGAATGGC on the coding strand, the reverse complement: RAD51D is on the minus strand); duplicating any 28 consecutive bases within chr17:35,118,560-35,118,591 gives the same sequence; the c. name uses the placement nearest the transcript's 3' end. VCF-style (leftmost placement, unchanged base first): chr17-35118559-C-CGCCATTCACGGGGAAAGCCGAGAACTGA. GRCh37 (hg19) VCF-style: chr17-33445578-C-CGCCATTCACGGGGAAAGCCGAGAACTGA.
Other names: c.144+524_144+551dup (NM_133629.3, NM_001142571.2); short protein forms A69fs.
Identifiers: ClinVar variation 1382206 (VCV001382206.6), dbSNP rs2142474239, ClinGen allele CA2573153695.

ClinVar aggregate classification (germline): Pathogenic (1 of 4 stars; one submission).

Conditions:
Breast-ovarian cancer, familial, susceptibility to, 4. Identifiers: Orphanet 145, MedGen C3280345, MONDO:0013669, OMIM 614291.

Submission:

Labcorp Genetics (formerly Invitae), Labcorp
Classification: Pathogenic for Breast-ovarian cancer, familial, susceptibility to, 4. Last evaluated: 2022-11-15. Review status: criteria provided, single submitter. Criteria: Invitae Variant Classification Sherloc (09022015). Collection method: clinical testing. Allele origin: germline.
Comment: For these reasons, this variant has been classified as Pathogenic. Algorithms developed to predict the effect of sequence changes on RNA splicing suggest that this variant may create or strengthen a splice site. ClinVar contains an entry for this variant (Variation ID: 1382206). This variant has not been reported in the literature in individuals affected with RAD51D-related conditions. This variant is not present in population databases (gnomAD no frequency). This sequence change creates a premature translational stop signal (p.Ala69Serfs*11) in the RAD51D gene. It is expected to result in an absent or disrupted protein product. Loss-of-function variants in RAD51D are known to be pathogenic (PMID: 21822267).

Literature cited by the submitters: PubMed 21822267.